The following is an entry in ClinVar:

ClinVar aggregate classification (germline): Likely benign. Review status: criteria provided, multiple submitters, no conflicts (2 of 4 stars). 2 submissions from 2 submitters: Likely benign (2). Last evaluated 2025-12-02.

Conditions:
Familial cold autoinflammatory syndrome 4 (FCAS4). Identifiers: Orphanet 47045, Orphanet 576349, MedGen C4015276, MONDO:0014498, OMIM 616115.
Periodic fever-infantile enterocolitis-autoinflammatory syndrome. Also called: Autoinflammation with infantile enterocolitis. Identifiers: Orphanet 436166, MedGen C4015067, MONDO:0014472, OMIM 616050.

Submissions (2):

Labcorp Genetics (formerly Invitae), Labcorp
Classification: Likely benign for Periodic fever-infantile enterocolitis-autoinflammatory syndrome; Familial cold autoinflammatory syndrome 4. Last evaluated: 2025-12-02. Review status: criteria provided, single submitter. Criteria: Invitae Variant Classification Sherloc (09022015). Collection method: clinical testing. Allele origin: germline.

Women's Health and Genetics/Laboratory Corporation of America, LabCorp
Classification: Likely benign. Last evaluated: 2024-07-02. Review status: criteria provided, single submitter. Criteria: LabCorp Variant Classification Summary - May 2015. Collection method: clinical testing. Allele origin: germline.
Comment: Variant summary: NLRC4 c.2268_2271delTGAC (p.Asp757AlafsX5) results in a premature termination codon, predicted to cause absence of the protein due to nonsense mediated decay, however the molecular mechanism of disease attributed to NLRC4 is gain-of-function. The variant allele was found at a frequency of 4.9e-05 in 247024 control chromosomes, predominantly at a frequency of 0.00069 within the African or African-American subpopulation in the gnomAD database. This frequency is not significantly higher than estimated for a pathogenic variant in NLRC4 causing NLRC4-Related Disorders, allowing no conclusion about variant significance. However in gnomAD v4 dataset, this variant has 45 heterozygotes. To our knowledge, no occurrence of c.2268_2271delTGAC in individuals affected with NLRC4-Related Disorders and no experimental evidence demonstrating its impact on protein function have been reported. ClinVar contains an entry for this variant (Variation ID: 1634425). Based on the evidence outlined above, the variant was classified as Likely Benign.

NM_001199138.2(NLRC4):c.2268_2271del (p.Asp757fs)

Gene: NLRC4 (NLR family CARD domain containing 4; minus strand). Cytogenetic location: 2p22.3.
Variant type: Microsatellite.
Coding change: c.2268_2271del on transcript NM_001199138.2 (MANE Select); coding-DNA positions 2268 to 2271, 4 bases deleted (TGAC; older notation c.2268_2271delTGAC).
Protein change: p.Asp757fs; shifts the reading frame from aspartic acid 757.
Molecular consequence: frameshift variant.
Genome position (GRCh38, 1-based): chr2:32,241,112-32,241,115, GTCA deleted on the plus strand (TGAC on the coding strand, the reverse complement: NLRC4 is on the minus strand); deleting any 4 consecutive bases within chr2:32,241,112-32,241,120 gives the same sequence; the c. name uses the placement nearest the transcript's 3' end. VCF-style (leftmost placement, unchanged base first): chr2-32241111-TGTCA-T. GRCh37 (hg19) VCF-style: chr2-32466180-TGTCA-T.
Other names: c.2263_2266CTGA[1], p.Asp757Alafs (NM_001199139.2, NM_021209.5); c.268_271CTGA[1], p.Asp92Alafs (NM_001302504.2); short protein forms D92fs, D757fs.
Identifiers: ClinVar variation 1634425 (VCV001634425.9), dbSNP rs746204807, ClinGen allele CA1601836.